The following is an entry in ClinVar:

ClinVar aggregate classification (germline): Uncertain significance (1 of 4 stars; one submission).

Conditions:
Inborn genetic diseases. Identifiers: MedGen C0950123, MeSH D030342.

gnomAD v4.1: 1 of 1,613,854 alleles (0.000062%); highest among the groups gnomAD compares: Non-Finnish European, 0.000085%; no homozygotes.

Submission:

Ambry Genetics
Classification: Uncertain significance for Inborn genetic diseases. Last evaluated: 2025-01-20. Review status: criteria provided, single submitter. Criteria: Ambry Variant Classification Scheme 2023. Collection method: clinical testing. Allele origin: germline.
Comment: The p.V896G variant (also known as c.2687T>G), located in coding exon 11 of the MECOM gene, results from a T to G substitution at nucleotide position 2687. The valine at codon 896 is replaced by glycine, an amino acid with dissimilar properties. This amino acid position is conserved. In addition, this alteration is predicted to be tolerated by in silico analysis. Based on the available evidence, the clinical significance of this variant remains unclear.

NM_004991.4(MECOM):c.2687T>G (p.Val896Gly)

Gene: MECOM (MDS1 and EVI1 complex locus; minus strand). Cytogenetic location: 3q26.2.
Variant type: single nucleotide variant.
Coding change: c.2687T>G on transcript NM_004991.4 (MANE Select); coding-DNA position 2687, T replaced by G.
Protein change: p.Val896Gly; replaces valine 896 with glycine.
Molecular consequence: missense variant.
Genome position (GRCh38, 1-based): chr3:169,102,144, A>C on the plus strand (T>G on the coding strand, the complement: MECOM is on the minus strand). VCF-style: chr3-169102144-A-C. GRCh37 (hg19) VCF-style: chr3-168819932-A-C.
Other names: c.2318T>G, p.Val773Gly (NM_001105077.4); c.2123T>G, p.Val708Gly (NM_001105078.4, NM_001205194.2, NM_001366469.2 and 1 more transcripts); c.2099T>G, p.Val700Gly (NM_001163999.2, NM_001366470.2); c.2096T>G, p.Val699Gly (NM_001164000.2, NM_001366471.2, NM_001366472.2); c.2660T>G, p.Val887Gly (NM_001366466.2); c.2126T>G, p.Val709Gly (NM_001366467.2, NM_001366468.2); c.1688T>G, p.Val563Gly (NM_001366473.2); c.1124T>G, p.Val375Gly (NM_001366474.2); short protein forms V708G, V773G, V887G, V375G, V699G, V709G, V563G, V700G.
Identifiers: ClinVar variation 3871736 (VCV003871736.1).